The following is an entry in ClinVar:

NM_030773.4(TUBB1):c.757C>G (p.Leu253Val)

Gene: TUBB1 (tubulin beta 1 class VI; plus strand). Cytogenetic location: 20q13.32.
Variant type: single nucleotide variant.
Coding change: c.757C>G on transcript NM_030773.4 (MANE Select); coding-DNA position 757, C replaced by G.
Protein change: p.Leu253Val; replaces leucine 253 with valine.
Molecular consequence: missense variant.
Genome position (GRCh38, 1-based): chr20:59,024,184, C>G. VCF-style: chr20-59024184-C-G. GRCh37 (hg19) VCF-style: chr20-57599239-C-G.
Other names: short protein forms L253V.
Identifiers: ClinVar variation 1948685 (VCV001948685.5), dbSNP rs141721320, ClinGen allele CA9928577.

ClinVar aggregate classification (germline): Uncertain significance (1 of 4 stars; one submission).

Allele frequency attached by ClinVar (database versions not stated): gnomAD 0.00002; gnomAD exomes 0.00002; TOPMed 0.00002; ExAC 0.00005; ESP Exome Variant Server 0.00008.
gnomAD v4.1: 33 of 1,614,134 alleles (0.002%); highest among the groups gnomAD compares: Non-Finnish European, 0.0018%; no homozygotes.

Submission:

Labcorp Genetics (formerly Invitae), Labcorp
Classification: Uncertain significance. Last evaluated: 2025-05-05. Review status: criteria provided, single submitter. Criteria: Invitae Variant Classification Sherloc (09022015). Collection method: clinical testing. Allele origin: germline.
Comment: This sequence change replaces leucine, which is neutral and non-polar, with valine, which is neutral and non-polar, at codon 253 of the TUBB1 protein (p.Leu253Val). This variant is present in population databases (rs141721320, gnomAD 0.01%). This variant has not been reported in the literature in individuals affected with TUBB1-related conditions. ClinVar contains an entry for this variant (Variation ID: 1948685). Invitae Evidence Modeling of protein sequence and biophysical properties (such as structural, functional, and spatial information, amino acid conservation, physicochemical variation, residue mobility, and thermodynamic stability) indicates that this missense variant is expected to disrupt TUBB1 protein function with a positive predictive value of 80%. In summary, the available evidence is currently insufficient to determine the role of this variant in disease. Therefore, it has been classified as a Variant of Uncertain Significance.